The following is an entry in ClinVar:

NM_000426.4(LAMA2):c.3630del (p.Ile1210fs)

Gene: LAMA2 (laminin subunit alpha 2; plus strand). Cytogenetic location: 6q22.33.
Variant type: Deletion.
Coding change: c.3630del on transcript NM_000426.4 (MANE Select); coding-DNA position 3630, one base deleted (T; older notation c.3630delT).
Protein change: p.Ile1210fs; shifts the reading frame from isoleucine 1210.
Molecular consequence: frameshift variant.
Genome position (GRCh38, 1-based): chr6:129,315,550, T deleted; the last of 2 consecutive T bases (chr6:129,315,549-129,315,550); deleting either gives the same sequence. VCF-style (leftmost placement, unchanged base first): chr6-129315548-AT-A. GRCh37 (hg19) VCF-style: chr6-129636693-AT-A.
Other names: c.3630del, p.Ile1210fs (NM_001079823.2); c.3630delT (NM_000426.4, NM_000426.3); short protein forms I1210fs.
Identifiers: ClinVar variation 92954 (VCV000092954.28), dbSNP rs398123372, ClinGen allele CA220761.

ClinVar aggregate classification (germline): Pathogenic. Review status: criteria provided, multiple submitters, no conflicts (2 of 4 stars). 9 submissions from 9 submitters: Pathogenic (7). 2 of the submissions do not count toward it. Last evaluated 2025-02-05.

Conditions:
Muscular dystrophy, limb-girdle, autosomal recessive 23. Identifiers: Orphanet 565837, MedGen C4748327, MONDO:0029136, OMIM 618138.
Merosin deficient congenital muscular dystrophy (MDC1A). Also called: Congenital merosin-deficient muscular dystrophy 1A; Congenital Muscular Dystrophy Type 1A (MDC1A). Identifiers: Orphanet 258, MedGen C1263858, MONDO:0011925, OMIM 607855.
LAMA2-related disorder. Also called: LAMA2-related condition; LAMA2-related disorders.
LAMA2-related muscular dystrophy (LAMA2-RD). Also called: Laminin alpha 2-related dystrophy. Identifiers: MedGen C5679788, MONDO:0100228.

Submissions (9):

Labcorp Genetics (formerly Invitae), Labcorp
Classification: Pathogenic for LAMA2-related muscular dystrophy. Last evaluated: 2025-02-05. Review status: criteria provided, single submitter. Criteria: Invitae Variant Classification Sherloc (09022015). Collection method: clinical testing. Allele origin: germline.
Comment: This sequence change creates a premature translational stop signal (p.Ile1210Metfs*14) in the LAMA2 gene. It is expected to result in an absent or disrupted protein product. Loss-of-function variants in LAMA2 are known to be pathogenic (PMID: 18700894, 32904964). This variant is present in population databases (rs751049992, gnomAD 0.006%). This premature translational stop signal has been observed in individual(s) with congenital muscular dystrophy (PMID: 16216942). It has also been observed to segregate with disease in related individuals. ClinVar contains an entry for this variant (Variation ID: 92954). For these reasons, this variant has been classified as Pathogenic.

Women's Health and Genetics/Laboratory Corporation of America, LabCorp
Classification: Pathogenic for LAMA2-related muscular dystrophy. Last evaluated: 2024-06-06. Review status: criteria provided, single submitter. Criteria: LabCorp Variant Classification Summary - May 2015. Collection method: clinical testing. Allele origin: germline.
Comment: Variant summary: LAMA2 c.3630delT (p.Ile1210MetfsX14) results in a premature termination codon, predicted to cause a truncation of the encoded protein or absence of the protein due to nonsense mediated decay, which are commonly known mechanisms for disease. The variant allele was found at a frequency of 2.4e-05 in 251474 control chromosomes. c.3630delT has been reported in the literature in at-least one individual affected with congenital muscular dystrophy (example: Saat_2021). These data indicate that the variant may be associated with disease. The following publication has been ascertained in the context of this evaluation (PMID: 33963534). ClinVar contains an entry for this variant (Variation ID: 92954). Based on the evidence outlined above, the variant was classified as pathogenic.

Fulgent Genetics
Classification: Pathogenic for Merosin deficient congenital muscular dystrophy; Muscular dystrophy, limb-girdle, autosomal recessive 23. Last evaluated: 2024-05-25. Review status: criteria provided, single submitter. Criteria: ACMG Guidelines, 2015. Collection method: clinical testing. Allele origin: germline.

Baylor Genetics
Classification: Pathogenic for Merosin deficient congenital muscular dystrophy. Last evaluated: 2024-03-05. Review status: criteria provided, single submitter. Criteria: ACMG Guidelines, 2015. Collection method: clinical testing. Allele origin: unknown.

GeneDx
Classification: Pathogenic. Last evaluated: 2022-12-22. Review status: criteria provided, single submitter. Criteria: GeneDx Variant Classification Process June 2021. Collection method: clinical testing. Allele origin: germline. Affected: yes.
Comment: Frameshift variant predicted to result in protein truncation or nonsense mediated decay in a gene for which loss-of-function is a known mechanism of disease; Not observed at a significant frequency in large population cohorts (gnomAD); This variant is associated with the following publications: (PMID: 30055037, 16216942, 20207543, 27159402, 33963534, 34426522)

Revvity Omics, Revvity
Classification: Pathogenic. Last evaluated: 2022-06-24. Review status: criteria provided, single submitter. Criteria: ACMG Guidelines, 2015. Collection method: clinical testing. Allele origin: germline.

Eurofins Ntd Llc (ga)
Classification: Pathogenic. Last evaluated: 2016-09-21. Review status: criteria provided, single submitter. Criteria: EGL Classification Definitions. Collection method: clinical testing. Allele origin: germline. Observed: 2 variant alleles, 2 heterozygotes.

PreventionGenetics, part of Exact Sciences
Classification: Pathogenic for LAMA2-related condition. Last evaluated: 2024-04-27. Review status: no assertion criteria provided. Collection method: clinical testing. Allele origin: germline. Not counted in ClinVar's aggregate classification.
Comment: The LAMA2 c.3630delT variant is predicted to result in a frameshift and premature protein termination (p.Ile1210Metfs*14). This variant has been reported in the homozygous or compound heterozygous state in individuals with congenital muscular dystrophy (see for example, Di Blasi et al. 2005. PubMed ID: 16216942; Saat and Sahin. 2021. PubMed ID: 33963534). This variant is reported in 0.0062% of alleles in individuals of European (Non-Finnish) descent in gnomAD. Frameshift variants in LAMA2 are expected to be pathogenic. This variant is interpreted as pathogenic.

Counsyl
Classification: Pathogenic for Merosin deficient congenital muscular dystrophy. Last evaluated: 2017-04-24. Review status: no assertion criteria provided. Collection method: clinical testing. Allele origin: unknown. Not counted in ClinVar's aggregate classification.

Literature cited by the submitters: PubMed 18700894 (cited by Labcorp Genetics (formerly Invitae), Labcorp); PubMed 32904964 (cited by Labcorp Genetics (formerly Invitae), Labcorp); PubMed 16216942 (cited by Labcorp Genetics (formerly Invitae), Labcorp and Counsyl); PubMed 33963534 (cited by Women's Health and Genetics/Laboratory Corporation of America, LabCorp); PubMed 20207543 (cited by Counsyl).